The following is an entry in ClinVar:

NM_001318895.3(FHL2):c.689-12C>G

Genes: C2orf49 (chromosome 2 open reading frame 49; plus strand), FHL2 (four and a half LIM domains 2; minus strand). Cytogenetic location: 2q12.2.
Variant type: single nucleotide variant.
Coding change: c.689-12C>G on transcript NM_001318895.3 (MANE Select); 12 bases into the intron before coding-DNA position 689, C replaced by G.
Molecular consequence: intron variant.
Genome position (GRCh38, 1-based): chr2:105,361,446, G>C on the plus strand (C>G on the coding strand, the complement: FHL2 is on the minus strand). VCF-style: chr2-105361446-G-C. GRCh37 (hg19) VCF-style: chr2-105977903-G-C.
Other names: c.347-12C>G (NM_001318897.2, NM_001318898.2); c.689-12C>G (NM_001318896.2, NM_001039492.3, NM_001450.4 and 4 more transcripts); c.365-12C>G (NM_001318899.2).
Identifiers: ClinVar variation 48329 (VCV000048329.15), dbSNP rs2244182, ClinGen allele CA143189.
Genomic context (GRCh38, chr2:105,361,446, plus strand): 5'-TTATGCCACTGCCGTTCCTCAAAGGAGATGTATTTTGTGCCACCAAGTCCTGTTAACAGA[G>C]AGAAAATAATACCGGATGAAGAAAGTTAGAATCAGGCAACTGGGACTGAAGAAGGAATTC-3'

ClinVar aggregate classification (germline): Benign. Review status: criteria provided, multiple submitters, no conflicts (2 of 4 stars). 4 submissions from 4 submitters: Benign (4). Last evaluated 2026-02-04.

Conditions:
Primary dilated cardiomyopathy (DCM). Also called: Dilated Cardiomyopathy. Identifiers: Orphanet 217604, MedGen C0007193, MeSH D002311, MONDO:0005021, HP:0001644. Inheritance: Various modes of inheritance.

Allele frequency attached by ClinVar (database versions not stated): ESP Exome Variant Server 0.20329; ExAC 0.20716; gnomAD exomes 0.20963; gnomAD 0.21176 and 0.21351; TOPMed 0.22866; 1000 Genomes Project 30x 0.30356; 1000 Genomes Project 0.30551.
gnomAD v4.1: 260,828 of 1,606,806 alleles (16%); highest among the groups gnomAD compares: East Asian, 53%; 27,056 homozygotes.

Submissions (38):

Labcorp Genetics (formerly Invitae), Labcorp
Classification: Benign for Primary dilated cardiomyopathy. Last evaluated: 2026-02-04. Review status: criteria provided, single submitter. Criteria: Invitae Variant Classification Sherloc (09022015). Collection method: clinical testing. Allele origin: germline.

GeneDx
Classification: Benign. Last evaluated: 2018-06-13. Review status: criteria provided, single submitter. Criteria: GeneDx Variant Classification (06012015). Collection method: clinical testing. Allele origin: germline. Affected: yes.
Comment: This variant is considered likely benign or benign based on one or more of the following criteria: it is a conservative change, it occurs at a poorly conserved position in the protein, it is predicted to be benign by multiple in silico algorithms, and/or has population frequency not consistent with disease.

Laboratory for Molecular Medicine, Mass General Brigham Personalized Medicine
Classification: Benign. Last evaluated: 2012-03-16. Review status: criteria provided, single submitter. Criteria: LMM Criteria. Collection method: clinical testing. Allele origin: germline. Observed: 579 variant alleles.
Comment: 689-12C>G in intron 5 of FHL2: This variant is not expected to have clinical sig nificance because it is not located within the splice consensus sequence and has been identified in 33% (1242/3738) of African American chromosomes from a broad population by the NHLBI Exome Sequencing Project (EVS; dbSNP rs2244182).

Breakthrough Genomics
Classification: Benign. Review status: criteria provided, single submitter. Criteria: ACMG Guidelines, 2015. Collection method: not provided. Allele origin: germline. Inheritance: Unknown mechanism. Affected: yes.

Dr. Peter K. Rogan Lab, Western University
No classification provided (evidence only). Condition: Uterine carcinosarcoma. Review status: no classification provided. Collection method: in vitro. Allele origin: not applicable. Functional consequence: retained intron. Not counted in ClinVar's aggregate classification.

Dr. Peter K. Rogan Lab, Western University
No classification provided (evidence only). Condition: Uterine carcinosarcoma. Review status: no classification provided. Collection method: in vitro. Allele origin: not applicable. Functional consequence: retained intron. Not counted in ClinVar's aggregate classification.

Dr. Peter K. Rogan Lab, Western University
No classification provided (evidence only). Condition: Uterine carcinosarcoma. Review status: no classification provided. Collection method: in vitro. Allele origin: not applicable. Functional consequence: retained intron. Not counted in ClinVar's aggregate classification.

Dr. Peter K. Rogan Lab, Western University
No classification provided (evidence only). Condition: Uveal melanoma. Review status: no classification provided. Collection method: in vitro. Allele origin: not applicable. Functional consequence: retained intron. Not counted in ClinVar's aggregate classification.

Dr. Peter K. Rogan Lab, Western University
No classification provided (evidence only). Condition: Uveal melanoma. Review status: no classification provided. Collection method: in vitro. Allele origin: not applicable. Functional consequence: retained intron. Not counted in ClinVar's aggregate classification.

Dr. Peter K. Rogan Lab, Western University
No classification provided (evidence only). Condition: Uveal melanoma. Review status: no classification provided. Collection method: in vitro. Allele origin: not applicable. Functional consequence: retained intron. Not counted in ClinVar's aggregate classification.

Dr. Peter K. Rogan Lab, Western University
No classification provided (evidence only). Condition: Uveal melanoma. Review status: no classification provided. Collection method: in vitro. Allele origin: not applicable. Functional consequence: retained intron. Not counted in ClinVar's aggregate classification.

Dr. Peter K. Rogan Lab, Western University
No classification provided (evidence only). Condition: Chronic lymphocytic leukemia/small lymphocytic lymphoma. Review status: no classification provided. Collection method: in vitro. Allele origin: not applicable. Functional consequence: retained intron. Not counted in ClinVar's aggregate classification.

Dr. Peter K. Rogan Lab, Western University
No classification provided (evidence only). Condition: Chronic lymphocytic leukemia/small lymphocytic lymphoma. Review status: no classification provided. Collection method: in vitro. Allele origin: not applicable. Functional consequence: retained intron. Not counted in ClinVar's aggregate classification.

Dr. Peter K. Rogan Lab, Western University
No classification provided (evidence only). Condition: Chronic lymphocytic leukemia/small lymphocytic lymphoma. Review status: no classification provided. Collection method: in vitro. Allele origin: not applicable. Functional consequence: retained intron. Not counted in ClinVar's aggregate classification.

Dr. Peter K. Rogan Lab, Western University
No classification provided (evidence only). Condition: Chronic lymphocytic leukemia/small lymphocytic lymphoma. Review status: no classification provided. Collection method: in vitro. Allele origin: not applicable. Functional consequence: retained intron. Not counted in ClinVar's aggregate classification.

Dr. Peter K. Rogan Lab, Western University
No classification provided (evidence only). Condition: Chronic lymphocytic leukemia/small lymphocytic lymphoma. Review status: no classification provided. Collection method: in vitro. Allele origin: not applicable. Functional consequence: retained intron. Not counted in ClinVar's aggregate classification.

Dr. Peter K. Rogan Lab, Western University
No classification provided (evidence only). Condition: Chronic lymphocytic leukemia/small lymphocytic lymphoma. Review status: no classification provided. Collection method: in vitro. Allele origin: not applicable. Functional consequence: retained intron. Not counted in ClinVar's aggregate classification.

Dr. Peter K. Rogan Lab, Western University
No classification provided (evidence only). Condition: Chronic lymphocytic leukemia/small lymphocytic lymphoma. Review status: no classification provided. Collection method: in vitro. Allele origin: not applicable. Functional consequence: retained intron. Not counted in ClinVar's aggregate classification.

Dr. Peter K. Rogan Lab, Western University
No classification provided (evidence only). Condition: Chronic lymphocytic leukemia/small lymphocytic lymphoma. Review status: no classification provided. Collection method: in vitro. Allele origin: not applicable. Functional consequence: retained intron. Not counted in ClinVar's aggregate classification.

Dr. Peter K. Rogan Lab, Western University
No classification provided (evidence only). Condition: Familial pancreatic carcinoma. Review status: no classification provided. Collection method: in vitro. Allele origin: not applicable. Functional consequence: retained intron. Not counted in ClinVar's aggregate classification.

Dr. Peter K. Rogan Lab, Western University
No classification provided (evidence only). Condition: Familial pancreatic carcinoma. Review status: no classification provided. Collection method: in vitro. Allele origin: not applicable. Functional consequence: retained intron. Not counted in ClinVar's aggregate classification.

Dr. Peter K. Rogan Lab, Western University
No classification provided (evidence only). Condition: Familial pancreatic carcinoma. Review status: no classification provided. Collection method: in vitro. Allele origin: not applicable. Functional consequence: retained intron. Not counted in ClinVar's aggregate classification.

Dr. Peter K. Rogan Lab, Western University
No classification provided (evidence only). Condition: Familial pancreatic carcinoma. Review status: no classification provided. Collection method: in vitro. Allele origin: not applicable. Functional consequence: retained intron. Not counted in ClinVar's aggregate classification.

Dr. Peter K. Rogan Lab, Western University
No classification provided (evidence only). Condition: Familial pancreatic carcinoma. Review status: no classification provided. Collection method: in vitro. Allele origin: not applicable. Functional consequence: retained intron. Not counted in ClinVar's aggregate classification.

Dr. Peter K. Rogan Lab, Western University
No classification provided (evidence only). Condition: Familial pancreatic carcinoma. Review status: no classification provided. Collection method: in vitro. Allele origin: not applicable. Functional consequence: retained intron. Not counted in ClinVar's aggregate classification.

Dr. Peter K. Rogan Lab, Western University
No classification provided (evidence only). Condition: Familial pancreatic carcinoma. Review status: no classification provided. Collection method: in vitro. Allele origin: not applicable. Functional consequence: retained intron. Not counted in ClinVar's aggregate classification.

Dr. Peter K. Rogan Lab, Western University
No classification provided (evidence only). Condition: Familial pancreatic carcinoma. Review status: no classification provided. Collection method: in vitro. Allele origin: not applicable. Functional consequence: retained intron. Not counted in ClinVar's aggregate classification.

Dr. Peter K. Rogan Lab, Western University
No classification provided (evidence only). Condition: Familial pancreatic carcinoma. Review status: no classification provided. Collection method: in vitro. Allele origin: not applicable. Functional consequence: retained intron. Not counted in ClinVar's aggregate classification.

Dr. Peter K. Rogan Lab, Western University
No classification provided (evidence only). Condition: Familial pancreatic carcinoma. Review status: no classification provided. Collection method: in vitro. Allele origin: not applicable. Functional consequence: retained intron. Not counted in ClinVar's aggregate classification.

Dr. Peter K. Rogan Lab, Western University
No classification provided (evidence only). Condition: Malignant lymphoma, large B-cell, diffuse. Review status: no classification provided. Collection method: in vitro. Allele origin: not applicable. Functional consequence: retained intron. Not counted in ClinVar's aggregate classification.

Dr. Peter K. Rogan Lab, Western University
No classification provided (evidence only). Condition: Hepatocellular carcinoma. Review status: no classification provided. Collection method: in vitro. Allele origin: not applicable. Functional consequence: retained intron. Not counted in ClinVar's aggregate classification.

Dr. Peter K. Rogan Lab, Western University
No classification provided (evidence only). Condition: Uterine carcinosarcoma. Review status: no classification provided. Collection method: in vitro. Allele origin: not applicable. Functional consequence: retained intron. Not counted in ClinVar's aggregate classification.

Dr. Peter K. Rogan Lab, Western University
No classification provided (evidence only). Condition: Uterine carcinosarcoma. Review status: no classification provided. Collection method: in vitro. Allele origin: not applicable. Functional consequence: retained intron. Not counted in ClinVar's aggregate classification.

Dr. Peter K. Rogan Lab, Western University
No classification provided (evidence only). Condition: Uterine carcinosarcoma. Review status: no classification provided. Collection method: in vitro. Allele origin: not applicable. Functional consequence: retained intron. Not counted in ClinVar's aggregate classification.

Dr. Peter K. Rogan Lab, Western University
No classification provided (evidence only). Condition: Uterine carcinosarcoma. Review status: no classification provided. Collection method: in vitro. Allele origin: not applicable. Functional consequence: retained intron. Not counted in ClinVar's aggregate classification.

Dr. Peter K. Rogan Lab, Western University
No classification provided (evidence only). Condition: Uterine carcinosarcoma. Review status: no classification provided. Collection method: in vitro. Allele origin: not applicable. Functional consequence: retained intron. Not counted in ClinVar's aggregate classification.

Dr. Peter K. Rogan Lab, Western University
No classification provided (evidence only). Condition: Uterine carcinosarcoma. Review status: no classification provided. Collection method: in vitro. Allele origin: not applicable. Functional consequence: retained intron. Not counted in ClinVar's aggregate classification.

Dr. Peter K. Rogan Lab, Western University
No classification provided (evidence only). Condition: Uterine carcinosarcoma. Review status: no classification provided. Collection method: in vitro. Allele origin: not applicable. Functional consequence: retained intron. Not counted in ClinVar's aggregate classification.